The following is an entry in ClinVar:

ClinVar aggregate classification (germline): Likely pathogenic (1 of 4 stars; one submission).

Conditions:
Autosomal dominant hypocalcemia 1 (HYPOC1). Also called: HYPOCALCEMIA, FAMILIAL. Identifiers: MedGen C3715128, MONDO:0011013, OMIM 601198.
Familial hypocalciuric hypercalcemia (FHH). Also called: Familial benign hypercalcemia. Identifiers: Orphanet 405, MedGen C1809471, MONDO:0018458.

Submission:

Labcorp Genetics (formerly Invitae), Labcorp
Classification: Likely pathogenic for Familial hypocalciuric hypercalcemia; Autosomal dominant hypocalcemia 1. Last evaluated: 2023-03-15. Review status: criteria provided, single submitter. Criteria: Invitae Variant Classification Sherloc (09022015). Collection method: clinical testing. Allele origin: germline.
Comment: Disruption of this splice site has been observed in individual(s) with hypocalciuric hypercalcemia (PMID: 19073830). Algorithms developed to predict the effect of sequence changes on RNA splicing suggest that this variant may disrupt the consensus splice site. This variant is not present in population databases (gnomAD no frequency). This sequence change affects a donor splice site in intron 2 of the CASR gene. It is expected to disrupt RNA splicing. Variants that disrupt the donor or acceptor splice site typically lead to a loss of protein function (PMID: 16199547), and loss-of-function variants in CASR are known to be pathogenic (PMID: 11807402, 14985373, 22422767). In summary, the currently available evidence indicates that the variant is pathogenic, but additional data are needed to prove that conclusively. Therefore, this variant has been classified as Likely Pathogenic.

Literature cited by the submitters: PubMed 19073830; PubMed 16199547; PubMed 11807402; PubMed 14985373; PubMed 22422767.

NM_000388.4(CASR):c.185+1G>A

Gene: CASR (calcium sensing receptor; plus strand). Cytogenetic location: 3q21.1.
Variant type: single nucleotide variant.
Coding change: c.185+1G>A on transcript NM_000388.4 (MANE Select); the canonical splice donor site of the intron after coding-DNA position 185, G replaced by A.
Molecular consequence: splice donor variant.
Genome position (GRCh38, 1-based): chr3:122,254,375, G>A. VCF-style: chr3-122254375-G-A. GRCh37 (hg19) VCF-style: chr3-121973222-G-A.
Other names: c.185+1G>A (NM_001178065.2).
Identifiers: ClinVar variation 2945326 (VCV002945326.3), dbSNP rs2473205920, ClinGen allele CA354362317.